The following is an entry in ClinVar:

NM_022124.6(CDH23):c.894G>A (p.Leu298=)

Gene: CDH23 (cadherin related 23; plus strand). Cytogenetic location: 10q22.1.
Variant type: single nucleotide variant.
Coding change: c.894G>A on transcript NM_022124.6 (MANE Select); coding-DNA position 894, G replaced by A.
Protein change: p.Leu298=; no amino-acid change (leucine 298 retained).
Molecular consequence: synonymous variant.
Genome position (GRCh38, 1-based): chr10:71,615,565, G>A. VCF-style: chr10-71615565-G-A. GRCh37 (hg19) VCF-style: chr10-73375322-G-A.
Other names: c.894G>A, p.Leu298= (NM_001171930.2, NM_001171931.2, NM_001171932.2 and 1 more transcripts).
Identifiers: ClinVar variation 46060 (VCV000046060.17), dbSNP rs111033474, ClinGen allele CA137617.

ClinVar aggregate classification (germline): Benign. Review status: criteria provided, multiple submitters, no conflicts (2 of 4 stars). 4 submissions from 4 submitters: Benign (3). 1 of the submissions does not count toward it. Last evaluated 2026-01-31.

Conditions:
Usher syndrome type 1 (USH1). Also called: RETINITIS PIGMENTOSA AND CONGENITAL DEAFNESS. Identifiers: Orphanet 231169, Orphanet 886, MedGen C1568247, MONDO:0010168, OMIM 276900.

Allele frequency attached by ClinVar (database versions not stated): gnomAD exomes 0.00044 and 0.00118; ExAC 0.00139; ESP Exome Variant Server 0.00476; 1000 Genomes Project 0.00479; 1000 Genomes Project 30x 0.00500; gnomAD 0.00511 and 0.00549; TOPMed 0.00550.
gnomAD v4.1: 1,450 of 1,613,962 alleles (0.09%); highest among the groups gnomAD compares: African/African-American, 1.7%; 15 homozygotes.

Submissions (4):

Labcorp Genetics (formerly Invitae), Labcorp
Classification: Benign. Last evaluated: 2026-01-31. Review status: criteria provided, single submitter. Criteria: Invitae Variant Classification Sherloc (09022015). Collection method: clinical testing. Allele origin: germline.

GeneDx
Classification: Benign. Last evaluated: 2019-07-25. Review status: criteria provided, single submitter. Criteria: GeneDx Variant Classification Process June 2021. Collection method: clinical testing. Allele origin: germline. Affected: yes.

Laboratory for Molecular Medicine, Mass General Brigham Personalized Medicine
Classification: Benign. Last evaluated: 2013-03-01. Review status: criteria provided, single submitter. Criteria: LMM Criteria. Collection method: clinical testing. Allele origin: germline. Observed: 7 variant alleles.
Comment: Leu298Leu in exon 10 of CDH23: This variant is not expected to have clinical sig nificance because it has been identified in 1.5% (59/4050) of African American c hromosomes by the NHLBI Exome Sequencing Project (VS/; dbSNP rs111033474). In addition, it does not alter an amino acid residue an d is not near a splice junction.

Natera, Inc.
Classification: Benign for Usher syndrome type 1. Last evaluated: 2019-12-06. Review status: no assertion criteria provided. Collection method: clinical testing. Allele origin: germline. Not counted in ClinVar's aggregate classification.